The following is an entry in ClinVar:

NM_006231.4(POLE):c.1940A>G (p.Asp647Gly)

Gene: POLE (DNA polymerase epsilon, catalytic subunit; minus strand). Cytogenetic location: 12q24.33.
Variant type: single nucleotide variant.
Coding change: c.1940A>G on transcript NM_006231.4 (MANE Select); coding-DNA position 1940, A replaced by G.
Protein change: p.Asp647Gly; replaces aspartic acid 647 with glycine.
Molecular consequence: missense variant.
Genome position (GRCh38, 1-based): chr12:132,668,721, T>C on the plus strand (A>G on the coding strand, the complement: POLE is on the minus strand). VCF-style: chr12-132668721-T-C. GRCh37 (hg19) VCF-style: chr12-133245307-T-C.
Other names: c.1940A>G (NM_006231.2); short protein forms D647G.
Identifiers: ClinVar variation 575321 (VCV000575321.10), dbSNP rs1060500884, ClinGen allele CA387355210.

ClinVar aggregate classification (germline): Uncertain significance. Review status: criteria provided, multiple submitters, no conflicts (2 of 4 stars). 2 submissions from 2 submitters: Uncertain significance (2). Last evaluated 2020-04-24.

Submissions (2):

Labcorp Genetics (formerly Invitae), Labcorp
Classification: Uncertain significance. Last evaluated: 2020-04-24. Review status: criteria provided, single submitter. Criteria: Invitae Variant Classification Sherloc (09022015). Collection method: clinical testing. Allele origin: germline.
Comment: This sequence change replaces aspartic acid with glycine at codon 647 of the POLE protein (p.Asp647Gly). The aspartic acid residue is moderately conserved and there is a moderate physicochemical difference between aspartic acid and glycine. This variant is not present in population databases (ExAC no frequency). This variant has not been reported in the literature in individuals with POLE-related disease. Algorithms developed to predict the effect of missense changes on protein structure and function (SIFT, PolyPhen-2, Align-GVGD) all suggest that this variant is likely to be tolerated, but these predictions have not been confirmed by published functional studies and their clinical significance is uncertain. In summary, the available evidence is currently insufficient to determine the role of this variant in disease. Therefore, it has been classified as a Variant of Uncertain Significance.

GeneDx
Classification: Uncertain significance. Last evaluated: 2019-08-13. Review status: criteria provided, single submitter. Criteria: GeneDx Variant Classification Process June 2021. Collection method: clinical testing. Allele origin: germline. Affected: yes.
Comment: Not observed in large population cohorts (Lek 2016); In silico analysis, which includes protein predictors and evolutionary conservation, supports a deleterious effect; Has not been previously published as pathogenic or benign to our knowledge